The following is an entry in ClinVar:

NM_032638.5(GATA2):c.975G>A (p.Met325Ile)

Gene: GATA2 (GATA binding protein 2; minus strand). Cytogenetic location: 3q21.3.
Variant type: single nucleotide variant.
Coding change: c.975G>A on transcript NM_032638.5 (MANE Select); coding-DNA position 975, G replaced by A.
Protein change: p.Met325Ile; replaces methionine 325 with isoleucine.
Molecular consequence: missense variant.
Genome position (GRCh38, 1-based): chr3:128,483,902, C>T on the plus strand (G>A on the coding strand, the complement: GATA2 is on the minus strand). VCF-style: chr3-128483902-C-T. GRCh37 (hg19) VCF-style: chr3-128202745-C-T.
Other names: c.975G>A, p.Met325Ile (NM_001145661.2, NM_001145662.1); c.975G>A (NM_032638.4); short protein forms M325I.
Identifiers: ClinVar variation 1470330 (VCV001470330.9), dbSNP rs2107670355, ClinGen allele CA354404415.

ClinVar aggregate classification (germline): Uncertain significance. Review status: criteria provided, multiple submitters, no conflicts (2 of 4 stars). 2 submissions from 2 submitters: Uncertain significance (2). Last evaluated 2025-12-03.

Conditions:
Inborn genetic diseases. Identifiers: MedGen C0950123, MeSH D030342.
Deafness-lymphedema-leukemia syndrome. Also called: Lymphedema, primary, with myelodysplasia; Emberger syndrome. Identifiers: Orphanet 3226, MedGen C3279664, MONDO:0013540, OMIM 614038.
Monocytopenia with susceptibility to infections. Also called: MONOCYTOPENIA AND MYCOBACTERIAL INFECTION SYNDROME; MONOCYTOPENIA WITH SUSCEPTIBILITY TO MYCOBACTERIAL, FUNGAL, AND PAPILLOMAVIRUS INFECTIONS AND MYELODYSPLASIA; COMBINED IMMUNODEFICIENCY WITH SUSCEPTIBILITY TO MYCOBACTERIAL, VIRAL, AND FUNGAL INFECTIONS; Dendritic cell, monocyte, B lymphocyte, and natural killer lymphocyte deficiency; GATA2 DEFICIENCY; IMMUNODEFICIENCY 21. Identifiers: Orphanet 228423, MedGen C3280030, MONDO:0013607, OMIM 614172.

Submissions (2):

Ambry Genetics
Classification: Uncertain significance for Inborn genetic diseases. Last evaluated: 2025-12-03. Review status: criteria provided, single submitter. Criteria: Ambry Variant Classification Scheme 2023. Collection method: clinical testing. Allele origin: germline.
Comment: The p.M325I variant (also known as c.975G>A), located in coding exon 3 of the GATA2 gene, results from a G to A substitution at nucleotide position 975. The methionine at codon 325 is replaced by isoleucine, an amino acid with highly similar properties. This amino acid position is highly conserved in available vertebrate species. In addition, this alteration is predicted to be deleterious by in silico analysis. Based on the available evidence, the clinical significance of this variant remains unclear.

Labcorp Genetics (formerly Invitae), Labcorp
Classification: Uncertain significance for Monocytopenia with susceptibility to infections; Deafness-lymphedema-leukemia syndrome. Last evaluated: 2023-10-05. Review status: criteria provided, single submitter. Criteria: Invitae Variant Classification Sherloc (09022015). Collection method: clinical testing. Allele origin: germline.
Comment: This sequence change replaces methionine, which is neutral and non-polar, with isoleucine, which is neutral and non-polar, at codon 325 of the GATA2 protein (p.Met325Ile). This variant is not present in population databases (gnomAD no frequency). This variant has not been reported in the literature in individuals affected with GATA2-related conditions. ClinVar contains an entry for this variant (Variation ID: 1470330). Advanced modeling of protein sequence and biophysical properties (such as structural, functional, and spatial information, amino acid conservation, physicochemical variation, residue mobility, and thermodynamic stability) has been performed at Invitae for this missense variant, however the output from this modeling did not meet the statistical confidence thresholds required to predict the impact of this variant on GATA2 protein function. In summary, the available evidence is currently insufficient to determine the role of this variant in disease. Therefore, it has been classified as a Variant of Uncertain Significance.